The following is an entry in ClinVar:

NM_020778.5(ALPK3):c.893A>G (p.Asp298Gly)

Gene: ALPK3 (alpha kinase 3; plus strand). Cytogenetic location: 15q25.3.
Variant type: single nucleotide variant.
Coding change: c.893A>G on transcript NM_020778.5 (MANE Select); coding-DNA position 893, A replaced by G.
Protein change: p.Asp298Gly; replaces aspartic acid 298 with glycine.
Molecular consequence: missense variant.
Genome position (GRCh38, 1-based): chr15:84,840,172, A>G. VCF-style: chr15-84840172-A-G. GRCh37 (hg19) VCF-style: chr15-85383403-A-G.
Other names: short protein forms D298G.
Identifiers: ClinVar variation 1773933 (VCV001773933.8), dbSNP rs201851851, ClinGen allele CA7709090.
Genomic context (GRCh38, chr15:84,840,172, plus strand): 5'-GGGAGGCTGCCCCCGAGAATGGAGAGGACGGAGAGCATGGCTTGCTGACATACATCTGTG[A>G]CGCCATGGAGCTGGGGCCTCAGAGAGCCCTCAAAGAGGAGAGTGGGGCCAAGAAGAAAAA-3'
Protein context (NP_065829.4, residues 288-308): GEHGLLTYIC[Asp298Gly]AMELGPQRAL

ClinVar aggregate classification (germline): Conflicting classifications of pathogenicity. Review status: criteria provided, conflicting classifications (1 of 4 stars). 2 submissions from 2 submitters: Uncertain significance (1); Likely benign (1). Last evaluated 2025-01-17.

Conditions:
Cardiovascular phenotype. Identifiers: MedGen CN230736.

Allele frequency attached by ClinVar (database versions not stated): ExAC 0.00002; gnomAD 0.00001; gnomAD exomes 0.00001; TOPMed 0.00001.
gnomAD v4.1: 30 of 1,613,838 alleles (0.0019%); highest among the groups gnomAD compares: Middle Eastern, 0.15%; no homozygotes.

Submissions (2):

Ambry Genetics
Classification: Likely benign for Cardiovascular phenotype. Last evaluated: 2025-01-17. Review status: criteria provided, single submitter. Criteria: Ambry Variant Classification Scheme 2023. Collection method: clinical testing. Allele origin: germline.

Labcorp Genetics (formerly Invitae), Labcorp
Classification: Uncertain significance. Last evaluated: 2024-03-01. Review status: criteria provided, single submitter. Criteria: Invitae Variant Classification Sherloc (09022015). Collection method: clinical testing. Allele origin: germline.
Comment: This sequence change replaces aspartic acid, which is acidic and polar, with glycine, which is neutral and non-polar, at codon 500 of the ALPK3 protein (p.Asp500Gly). This variant is present in population databases (rs201851851, gnomAD 0.002%). This variant has not been reported in the literature in individuals affected with ALPK3-related conditions. ClinVar contains an entry for this variant (Variation ID: 1773933). An algorithm developed to predict the effect of missense changes on protein structure and function (PolyPhen-2) suggests that this variant is likely to be tolerated. In summary, the available evidence is currently insufficient to determine the role of this variant in disease. Therefore, it has been classified as a Variant of Uncertain Significance.